The following is an entry in ClinVar:

NM_014290.3(TDRD7):c.1951G>A (p.Ala651Thr)

Gene: TDRD7 (tudor domain containing 7; plus strand). Cytogenetic location: 9q22.33.
Variant type: single nucleotide variant.
Coding change: c.1951G>A on transcript NM_014290.3 (MANE Select); coding-DNA position 1951, G replaced by A.
Protein change: p.Ala651Thr; replaces alanine 651 with threonine.
Molecular consequence: missense variant.
Genome position (GRCh38, 1-based): chr9:97,473,498, G>A. VCF-style: chr9-97473498-G-A. GRCh37 (hg19) VCF-style: chr9-100235780-G-A.
Other names: c.1729G>A, p.Ala577Thr (NM_001302884.2); short protein forms A651T, A577T.
Identifiers: ClinVar variation 3805319 (VCV003805319.2).

ClinVar aggregate classification (germline): Uncertain significance. Review status: criteria provided, multiple submitters, no conflicts (2 of 4 stars). 2 submissions from 2 submitters: Uncertain significance (2). Last evaluated 2025-06-02.

Conditions:
Cataract 36. Identifiers: MedGen C3151304, MONDO:0013484, OMIM 613887.
Inborn genetic diseases. Identifiers: MedGen C0950123, MeSH D030342.

gnomAD v4.1: 24 of 1,613,388 alleles (0.0015%); highest among the groups gnomAD compares: Non-Finnish European, 0.0019%; no homozygotes.

Submissions (2):

Labcorp Genetics (formerly Invitae), Labcorp
Classification: Uncertain significance for Cataract 36. Last evaluated: 2025-06-02. Review status: criteria provided, single submitter. Criteria: Invitae Variant Classification Sherloc (09022015). Collection method: clinical testing. Allele origin: germline.
Comment: This sequence change replaces alanine, which is neutral and non-polar, with threonine, which is neutral and polar, at codon 651 of the TDRD7 protein (p.Ala651Thr). This variant is present in population databases (rs765068577, gnomAD 0.008%). This variant has not been reported in the literature in individuals affected with TDRD7-related conditions. ClinVar contains an entry for this variant (Variation ID: 3805319). An algorithm developed to predict the effect of missense changes on protein structure and function (PolyPhen-2) suggests that this variant is likely to be disruptive. In summary, the available evidence is currently insufficient to determine the role of this variant in disease. Therefore, it has been classified as a Variant of Uncertain Significance.

Ambry Genetics
Classification: Uncertain significance for Inborn genetic diseases. Last evaluated: 2025-02-08. Review status: criteria provided, single submitter. Criteria: Ambry Variant Classification Scheme 2023. Collection method: clinical testing. Allele origin: germline.